The following is an entry in ClinVar:

ClinVar aggregate classification (germline): Benign. Review status: criteria provided, multiple submitters, no conflicts (2 of 4 stars). 3 submissions from 3 submitters: Benign (2). 1 of the submissions does not count toward it. Last evaluated 2019-12-31.

Conditions:
NPAS2-related disorder. Also called: NPAS2-related condition.

Allele frequency attached by ClinVar (database versions not stated): gnomAD exomes 0.00101 and 0.00240; ExAC 0.00310; gnomAD 0.00867 and 0.00934; 1000 Genomes Project 0.00938; TOPMed 0.00997; ESP Exome Variant Server 0.01061; 1000 Genomes Project 30x 0.01109.
gnomAD v4.1: 2,811 of 1,605,496 alleles (0.18%); highest among the groups gnomAD compares: African/African-American, 3%; 43 homozygotes.

Submissions (3):

Labcorp Genetics (formerly Invitae), Labcorp
Classification: Benign. Last evaluated: 2019-12-31. Review status: criteria provided, single submitter. Criteria: Invitae Variant Classification Sherloc (09022015). Collection method: clinical testing. Allele origin: germline.

Breakthrough Genomics
Classification: Benign. Review status: criteria provided, single submitter. Criteria: ACMG Guidelines, 2015. Collection method: not provided. Allele origin: germline. Inheritance: Unknown mechanism. Affected: yes.

PreventionGenetics, part of Exact Sciences
Classification: Likely benign for NPAS2-related condition. Last evaluated: 2020-01-06. Review status: no assertion criteria provided. Collection method: clinical testing. Allele origin: germline. Not counted in ClinVar's aggregate classification.
Comment: This variant is classified as likely benign based on ACMG/AMP sequence variant interpretation guidelines (Richards et al. 2015 PMID: 25741868, with internal and published modifications).

NM_002518.4(NPAS2):c.2465C>T (p.Pro822Leu)

Gene: NPAS2 (neuronal PAS domain protein 2; plus strand). Cytogenetic location: 2q11.2.
Variant type: single nucleotide variant.
Coding change: c.2465C>T on transcript NM_002518.4 (MANE Select); coding-DNA position 2465, C replaced by T.
Protein change: p.Pro822Leu; replaces proline 822 with leucine.
Molecular consequence: missense variant.
Genome position (GRCh38, 1-based): chr2:100,995,572, C>T. VCF-style: chr2-100995572-C-T. GRCh37 (hg19) VCF-style: chr2-101612034-C-T.
Other names: short protein forms P822L.
Identifiers: ClinVar variation 788959 (VCV000788959.7), dbSNP rs80034641, ClinGen allele CA1804133.